The following is an entry in ClinVar:

ClinVar aggregate classification (germline): Uncertain significance (1 of 4 stars; one submission).

Conditions:
Usher syndrome type 1 (USH1). Also called: RETINITIS PIGMENTOSA AND CONGENITAL DEAFNESS. Identifiers: Orphanet 231169, Orphanet 886, MedGen C1568247, MONDO:0010168, OMIM 276900.

Allele frequency attached by ClinVar (database versions not stated): TOPMed below 0.00001.
gnomAD v4.1: 1 of 1,614,164 alleles (0.000062%); highest among the groups gnomAD compares: Non-Finnish European, 0.000085%; no homozygotes.

Submission:

Centre for Mendelian Genomics, University Medical Centre Ljubljana
Classification: Uncertain significance for Usher syndrome type 1. Last evaluated: 2020-03-07. Review status: criteria provided, single submitter. Criteria: ACMG Guidelines, 2015. Collection method: clinical testing. Allele origin: unknown. Affected: yes.
Comment: This variant was classified as: Uncertain significance. The available evidence on this variant's pathogenicity is insufficient or conflicting. The following ACMG criteria were applied in classifying this variant: PM2,PP3.

NM_153676.4(USH1C):c.1053G>C (p.Glu351Asp)

Gene: USH1C (USH1 protein network component harmonin; minus strand). Cytogenetic location: 11p15.1.
Variant type: single nucleotide variant.
Coding change: c.1053G>C on transcript NM_153676.4 (MANE Select); coding-DNA position 1053, G replaced by C.
Protein change: p.Glu351Asp; replaces glutamic acid 351 with aspartic acid.
Molecular consequence: missense variant. On other transcripts: non-coding transcript variant (1).
Genome position (GRCh38, 1-based): chr11:17,521,378, C>G on the plus strand (G>C on the coding strand, the complement: USH1C is on the minus strand). VCF-style: chr11-17521378-C-G. GRCh37 (hg19) VCF-style: chr11-17542925-C-G.
Other names: c.996G>C, p.Glu332Asp (NM_001297764.2); c.1053G>C, p.Glu351Asp (NM_005709.4); short protein forms E351D, E332D.
Identifiers: ClinVar variation 931268 (VCV000931268.3), dbSNP rs1850407138, ClinGen allele CA379785067.